The following is an entry in ClinVar:

NM_014855.3(AP5Z1):c.1585G>A (p.Ala529Thr)

Gene: AP5Z1 (adaptor related protein complex 5 subunit zeta 1; plus strand). Cytogenetic location: 7p22.1.
Variant type: single nucleotide variant.
Coding change: c.1585G>A on transcript NM_014855.3 (MANE Select); coding-DNA position 1585, G replaced by A.
Protein change: p.Ala529Thr; replaces alanine 529 with threonine.
Molecular consequence: missense variant. On other transcripts: non-coding transcript variant (1).
Genome position (GRCh38, 1-based): chr7:4,788,284, G>A. VCF-style: chr7-4788284-G-A. GRCh37 (hg19) VCF-style: chr7-4827915-G-A.
Other names: c.1585G>A, p.Ala529Thr (LRG_1247t1); c.1117G>A, p.Ala373Thr (NM_001364858.1); short protein forms A529T, A373T.
Identifiers: ClinVar variation 240937 (VCV000240937.11), dbSNP rs535174478, ClinGen allele CA4137882.

ClinVar aggregate classification (germline): Conflicting classifications of pathogenicity. Review status: criteria provided, conflicting classifications (1 of 4 stars). 3 submissions from 3 submitters: Uncertain significance (2); Likely benign (1). Last evaluated 2024-08-19.

Conditions:
Hereditary spastic paraplegia 48. Also called: SPASTIC PARAPLEGIA 48, AUTOSOMAL RECESSIVE; Spastic paraplegia 48. Identifiers: Orphanet 306511, MedGen C3150901, MONDO:0013342, OMIM 613647.
Inborn genetic diseases. Identifiers: MedGen C0950123, MeSH D030342.
Hereditary spastic paraplegia. Also called: Familial spastic paraparesis. Identifiers: Orphanet 685, MedGen C0037773, MONDO:0019064. Disease mechanism: loss of function.

Allele frequency attached by ClinVar (database versions not stated): TOPMed 0.00008.

Submissions (3):

Labcorp Genetics (formerly Invitae), Labcorp
Classification: Uncertain significance for Hereditary spastic paraplegia 48. Last evaluated: 2024-08-19. Review status: criteria provided, single submitter. Criteria: Invitae Variant Classification Sherloc (09022015). Collection method: clinical testing. Allele origin: germline.
Comment: This sequence change replaces alanine, which is neutral and non-polar, with threonine, which is neutral and polar, at codon 529 of the AP5Z1 protein (p.Ala529Thr). The frequency data for this variant in the population databases is considered unreliable, as metrics indicate poor data quality at this position in the gnomAD database. This variant has not been reported in the literature in individuals affected with AP5Z1-related conditions. ClinVar contains an entry for this variant (Variation ID: 240937). Invitae Evidence Modeling of protein sequence and biophysical properties (such as structural, functional, and spatial information, amino acid conservation, physicochemical variation, residue mobility, and thermodynamic stability) indicates that this missense variant is not expected to disrupt AP5Z1 protein function with a negative predictive value of 80%. In summary, the available evidence is currently insufficient to determine the role of this variant in disease. Therefore, it has been classified as a Variant of Uncertain Significance.

Ambry Genetics
Classification: Likely benign for Inborn genetic diseases. Last evaluated: 2023-04-12. Review status: criteria provided, single submitter. Criteria: Ambry Variant Classification Scheme 2023. Collection method: clinical testing. Allele origin: germline.

Genome Diagnostics Laboratory, The Hospital for Sick Children
Classification: Uncertain significance for Hereditary spastic paraplegia. Last evaluated: 2019-12-01. Review status: criteria provided, single submitter. Criteria: ACMG Guidelines, 2015. Collection method: clinical testing. Allele origin: germline. Affected: yes.